The following is an entry in ClinVar:

ClinVar aggregate classification (germline): Conflicting classifications of pathogenicity. Review status: criteria provided, conflicting classifications (1 of 4 stars). 2 submissions from 2 submitters: Uncertain significance (1); Likely benign (1). Last evaluated 2023-04-18.

Conditions:
Inborn genetic diseases. Identifiers: MedGen C0950123, MeSH D030342.

Allele frequency attached by ClinVar (database versions not stated): gnomAD 0.00001; gnomAD exomes 0.00001; TOPMed 0.00002.
gnomAD v4.1: 16 of 1,614,040 alleles (0.00099%); highest among the groups gnomAD compares: Non-Finnish European, 0.0014%; no homozygotes.

Submissions (2):

Ambry Genetics
Classification: Uncertain significance for Inborn genetic diseases. Last evaluated: 2023-04-18. Review status: criteria provided, single submitter. Criteria: Ambry Variant Classification Scheme 2023. Collection method: clinical testing. Allele origin: germline.

CeGaT Center for Human Genetics Tuebingen
Classification: Likely benign. Last evaluated: 2022-03-01. Review status: criteria provided, single submitter. Criteria: CeGaT Center For Human Genetics Tuebingen Variant Classification Criteria Version 2. Collection method: clinical testing. Allele origin: germline. Affected: yes. Observed: 1 variant allele.
Comment: KMT2C: BS1:Supporting

NM_170606.3(KMT2C):c.11768C>T (p.Thr3923Ile)

Gene: KMT2C (lysine methyltransferase 2C; minus strand). Cytogenetic location: 7q36.1.
Variant type: single nucleotide variant.
Coding change: c.11768C>T on transcript NM_170606.3 (MANE Select); coding-DNA position 11768, C replaced by T.
Protein change: p.Thr3923Ile; replaces threonine 3923 with isoleucine.
Molecular consequence: missense variant.
Genome position (GRCh38, 1-based): chr7:152,156,249, G>A on the plus strand (C>T on the coding strand, the complement: KMT2C is on the minus strand). VCF-style: chr7-152156249-G-A. GRCh37 (hg19) VCF-style: chr7-151853334-G-A.
Other names: short protein forms T3923I.
Identifiers: ClinVar variation 2538109 (VCV002538109.26), dbSNP rs1048886135, ClinGen allele CA169224624.